The following is an entry in ClinVar:

NM_001330288.2(SMARCC2):c.1311-11T>G

Gene: SMARCC2 (SWI/SNF related BAF chromatin remodeling complex subunit C2; minus strand). Cytogenetic location: 12q13.2.
Variant type: single nucleotide variant.
Coding change: c.1311-11T>G on transcript NM_001330288.2 (MANE Select); 11 bases into the intron before coding-DNA position 1311, T replaced by G.
Molecular consequence: intron variant.
Genome position (GRCh38, 1-based): chr12:56,178,104, A>C on the plus strand (T>G on the coding strand, the complement: SMARCC2 is on the minus strand). VCF-style: chr12-56178104-A-C. GRCh37 (hg19) VCF-style: chr12-56571888-A-C.
Other names: NC_000012.11:g.56571888A>C; c.1311-11T>G (NM_003075.5, NM_139067.4, NM_001130420.3).
Identifiers: ClinVar variation 2643082 (VCV002643082.25), dbSNP rs151131746, ClinGen allele CA6626079.

ClinVar aggregate classification (germline): Likely benign (1 of 4 stars; one submission).

Allele frequency attached by ClinVar (database versions not stated): 1000 Genomes Project 0.00020; 1000 Genomes Project 30x 0.00031; TOPMed 0.00052; gnomAD 0.00056; ExAC 0.00073; ESP Exome Variant Server 0.00077; gnomAD exomes 0.00108.
gnomAD v4.1: 1,632 of 1,609,174 alleles (0.1%); highest among the groups gnomAD compares: Non-Finnish European, 0.13%; no homozygotes.

Submissions (4):

CeGaT Center for Human Genetics Tuebingen
Classification: Likely benign. Last evaluated: 2025-07-01. Review status: criteria provided, single submitter. Criteria: CeGaT Center For Human Genetics Tuebingen Variant Classification Criteria Version 2. Collection method: clinical testing. Allele origin: germline. Affected: yes. Observed: 5 variant alleles.
Comment: SMARCC2: BS1

Dr. Peter K. Rogan Lab, Western University
No classification provided (evidence only). Condition: Acute myeloid leukemia. Review status: no classification provided. Collection method: in vitro. Allele origin: not applicable. Functional consequence: retained intron. Not counted in ClinVar's aggregate classification.

Dr. Peter K. Rogan Lab, Western University
No classification provided (evidence only). Condition: Acute myeloid leukemia. Review status: no classification provided. Collection method: in vitro. Allele origin: not applicable. Functional consequence: skipped exon, retained intron. Not counted in ClinVar's aggregate classification.

Dr. Peter K. Rogan Lab, Western University
No classification provided (evidence only). Condition: Malignant tumor of esophagus. Review status: no classification provided. Collection method: in vitro. Allele origin: not applicable. Functional consequence: skipped exon, retained intron. Not counted in ClinVar's aggregate classification.